The following is an entry in ClinVar:

NM_005591.4(MRE11):c.1054C>G (p.Leu352Val)

Gene: MRE11 (MRE11 double strand break repair nuclease; minus strand). Cytogenetic location: 11q21.
Variant type: single nucleotide variant.
Coding change: c.1054C>G on transcript NM_005591.4 (MANE Select); coding-DNA position 1054, C replaced by G.
Protein change: p.Leu352Val; replaces leucine 352 with valine.
Molecular consequence: missense variant.
Genome position (GRCh38, 1-based): chr11:94,467,857, G>C on the plus strand (C>G on the coding strand, the complement: MRE11 is on the minus strand). VCF-style: chr11-94467857-G-C. GRCh37 (hg19) VCF-style: chr11-94201023-G-C.
Other names: c.1054C>G, p.Leu352Val (NM_001330347.2, NM_005590.4); short protein forms L352V.
Identifiers: ClinVar variation 822088 (VCV000822088.4), dbSNP rs1591688284, ClinGen allele CA382373802.
Genomic context (GRCh38, chr11:94,467,857, plus strand): 5'-TATAAATAGGACTTACTCGCAGTCGTACAAGAGGCTTCTCTGGCTGGTGAGAATTACCCA[G>C]ACGTTCCCGTTCAGCATTTTCAAGCATTTCTTCAATCTCAAAATTTTTAAAAAGATTAAA-3'
Protein context (NP_005582.1, residues 342-362): EMLENAERER[Leu352Val]GNSHQPEKPL

ClinVar aggregate classification (germline): Uncertain significance (1 of 4 stars; one submission).

Conditions:
Hereditary cancer-predisposing syndrome. Also called: Tumor predisposition; Hereditary Cancer Syndrome; Neoplastic Syndromes, Hereditary; Hereditary neoplastic syndrome. Identifiers: Orphanet 140162, MedGen C0027672, MeSH D009386, MONDO:0015356.

Submission:

Ambry Genetics
Classification: Uncertain significance for Hereditary cancer-predisposing syndrome. Last evaluated: 2019-10-16. Review status: criteria provided, single submitter. Criteria: Ambry Variant Classification Scheme 2023. Collection method: clinical testing. Allele origin: germline.
Comment: The p.L352V variant (also known as c.1054C>G), located in coding exon 9 of the MRE11A gene, results from a C to G substitution at nucleotide position 1054. The leucine at codon 352 is replaced by valine, an amino acid with highly similar properties. This amino acid position is highly conserved in available vertebrate species. In addition, the in silico prediction for this alteration is inconclusive. Since supporting evidence is limited at this time, the clinical significance of this alteration remains unclear.